The following is an entry in ClinVar:

ClinVar aggregate classification (germline): Likely pathogenic (1 of 4 stars; one submission).

gnomAD v4.1: 7 of 1,614,020 alleles (0.00043%); highest among the groups gnomAD compares: Non-Finnish European, 0.00059%; no homozygotes.

Submission:

Labcorp Genetics (formerly Invitae), Labcorp
Classification: Likely pathogenic. Last evaluated: 2024-10-22. Review status: criteria provided, single submitter. Criteria: Invitae Variant Classification Sherloc (09022015). Collection method: clinical testing. Allele origin: germline.
Comment: This sequence change affects a donor splice site in intron 6 of the MDH2 gene. It is expected to disrupt RNA splicing. Variants that disrupt the donor or acceptor splice site typically lead to a loss of protein function (PMID: 16199547), and loss-of-function variants in MDH2 are known to be pathogenic (PMID: 27989324). This variant is not present in population databases (gnomAD no frequency). This variant has not been reported in the literature in individuals affected with MDH2-related conditions. Algorithms developed to predict the effect of sequence changes on RNA splicing suggest that this variant may disrupt the consensus splice site. In summary, the currently available evidence indicates that the variant is pathogenic, but additional data are needed to prove that conclusively. Therefore, this variant has been classified as Likely Pathogenic.

Literature cited by the submitters: PubMed 16199547; PubMed 27989324.

NM_005918.4(MDH2):c.633+1G>A

Gene: MDH2 (malate dehydrogenase 2; plus strand). Cytogenetic location: 7q11.23.
Variant type: single nucleotide variant.
Coding change: c.633+1G>A on transcript NM_005918.4 (MANE Select); the canonical splice donor site of the intron after coding-DNA position 633, G replaced by A.
Molecular consequence: splice donor variant.
Genome position (GRCh38, 1-based): chr7:76,063,593, G>A. VCF-style: chr7-76063593-G-A. GRCh37 (hg19) VCF-style: chr7-75692911-G-A.
Other names: c.507+1G>A (NM_001282403.2); c.312+1G>A (NM_001282404.2).
Identifiers: ClinVar variation 3619506 (VCV003619506.2).
Genomic context (GRCh38, chr7:76,063,593, plus strand): 5'-GTCAACGTCCCTGTCATTGGTGGCCATGCTGGGAAGACCATCATCCCCCTGATCTCTCAG[G>A]TACACGCATATGACCCTGTGAGGGGCTTCGAGGTCAGGATTCCCTTTACCAGGCCCTGCT-3'